The following is an entry in ClinVar:

NM_001378183.1(PIEZO2):c.8140C>T (p.Pro2714Ser)

Gene: PIEZO2 (piezo type mechanosensitive ion channel component 2; minus strand). Cytogenetic location: 18p11.22.
Variant type: single nucleotide variant.
Coding change: c.8140C>T on transcript NM_001378183.1 (MANE Select); coding-DNA position 8140, C replaced by T.
Protein change: p.Pro2714Ser; replaces proline 2714 with serine.
Molecular consequence: missense variant.
Genome position (GRCh38, 1-based): chr18:10,675,230, G>A on the plus strand (C>T on the coding strand, the complement: PIEZO2 is on the minus strand). VCF-style: chr18-10675230-G-A. GRCh37 (hg19) VCF-style: chr18-10675227-G-A.
Other names: c.7876C>T, p.Pro2626Ser (NM_001410871.1); c.7801C>T, p.Pro2601Ser (NM_022068.4); short protein forms P2714S, P2601S, P2626S.
Identifiers: ClinVar variation 2584961 (VCV002584961.1), dbSNP rs770324484, ClinGen allele CA8891798.

ClinVar aggregate classification (germline): Uncertain significance (1 of 4 stars; one submission).

Conditions:
Gordon syndrome (DA3). Also called: Gordon's syndrome; ARTHROGRYPOSIS MULTIPLEX CONGENITA, DISTAL, TYPE IIA; CAMPTODACTYLY, CLEFT PALATE, AND CLUBFOOT. Identifiers: Orphanet 376, MedGen C0220666, MONDO:0007252, OMIM 114300.

Allele frequency attached by ClinVar (database versions not stated): ExAC 0.00001.
gnomAD v4.1: 1 of 1,555,340 alleles (0.000064%); highest among the groups gnomAD compares: South Asian, 0.0012%; no homozygotes.

Submission:

Neuberg Centre For Genomic Medicine, NCGM
Classification: Uncertain significance for Gordon syndrome. Review status: criteria provided, single submitter. Criteria: ACMG Guidelines, 2015. Collection method: clinical testing. Allele origin: germline. Inheritance: Autosomal dominant inheritance. Affected: yes.
Comment: The missense variant in c.7801C>T(p.Pro2601Ser) in PIEZO2 gene has not been reported previously as a pathogenic variant nor as a benign variant, to our knowledge. The p.Pro2601Ser variant is novel (not in any individuals) in gnomAD Exomes and 1000 Genomes. The amino acid Pro at position 2601 is changed to a Ser changing protein sequence and it might alter its composition and physico-chemical properties. The variant is predicted to be damaging by both SIFT and PolyPhen2. The residue is conserved across species. The amino acid change p.Pro2601Ser in PIEZO2 is predicted as conserved by GERP++ and PhyloP across 100 vertebrates. For these reasons, this variant has been classified as Uncertain Significance.